The following is an entry in ClinVar:

ClinVar aggregate classification (germline): Uncertain significance. Review status: criteria provided, multiple submitters, no conflicts (2 of 4 stars). 2 submissions from 2 submitters: Uncertain significance (2). Last evaluated 2024-05-23.

Conditions:
Hereditary cancer-predisposing syndrome. Also called: Hereditary neoplastic syndrome; Tumor predisposition; Hereditary Cancer Syndrome; Neoplastic Syndromes, Hereditary. Identifiers: Orphanet 140162, MedGen C0027672, MeSH D009386, MONDO:0015356.
DICER1-related tumor predisposition. Also called: DICER1 syndrome; DICER1-related pleuropulmonary blastoma cancer predisposition syndrome. Identifiers: Orphanet 284343, MedGen C3839822, MONDO:0100216.

Submissions (2):

Ambry Genetics
Classification: Uncertain significance for Hereditary cancer-predisposing syndrome. Last evaluated: 2024-05-23. Review status: criteria provided, single submitter. Criteria: Ambry Variant Classification Scheme 2023. Collection method: clinical testing. Allele origin: germline.
Comment: The c.3416_3418delGAA variant (also known as p.R1139del) is located in coding exon 20 of the DICER1 gene. This variant results from an in-frame GAA deletion at nucleotide positions 3416 to 3418. This results in the in-frame deletion of an arginine at codon 1139. This amino acid position is not well conserved in available vertebrate species. In addition, this alteration is predicted to be neutral by in silico analysis (Choi Y et al. PLoS ONE. 2012; 7(10):e46688). Since supporting evidence is limited at this time, the clinical significance of this alteration remains unclear.

Labcorp Genetics (formerly Invitae), Labcorp
Classification: Uncertain significance for DICER1-related tumor predisposition. Last evaluated: 2021-12-17. Review status: criteria provided, single submitter. Criteria: Invitae Variant Classification Sherloc (09022015). Collection method: clinical testing. Allele origin: germline.
Comment: This variant is not present in population databases (gnomAD no frequency). Experimental studies and prediction algorithms are not available or were not evaluated, and the functional significance of this variant is currently unknown. In summary, the available evidence is currently insufficient to determine the role of this variant in disease. Therefore, it has been classified as a Variant of Uncertain Significance. ClinVar contains an entry for this variant (Variation ID: 575802). This variant has not been reported in the literature in individuals affected with DICER1-related conditions. This variant, c.3416_3418del, results in the deletion of 1 amino acid(s) of the DICER1 protein (p.Arg1139del), but otherwise preserves the integrity of the reading frame.

NM_177438.3(DICER1):c.3416_3418del (p.Arg1139del)

Gene: DICER1 (dicer 1, ribonuclease III; minus strand). Cytogenetic location: 14q32.13.
Variant type: Deletion.
Coding change: c.3416_3418del on transcript NM_177438.3 (MANE Select); coding-DNA positions 3416 to 3418, 3 bases deleted (GAA; older notation c.3416_3418delGAA).
Protein change: p.Arg1139del; deletes arginine 1139.
Molecular consequence: inframe deletion.
Genome position (GRCh38, 1-based): chr14:95,103,978-95,103,980, TTC deleted on the plus strand (GAA on the coding strand, the reverse complement: DICER1 is on the minus strand); deleting any 3 consecutive bases within chr14:95,103,978-95,103,981 gives the same sequence; the c. name uses the placement nearest the transcript's 3' end. VCF-style (leftmost placement, unchanged base first): chr14-95103977-GTTC-G. GRCh37 (hg19) VCF-style: chr14-95570314-GTTC-G.
Other names: c.3416_3418del, p.Arg1139del (NM_001195573.1, NM_001271282.3, NM_001291628.2 and 1 more transcripts); c.3416_3418delGAA (NM_177438.2); short protein forms R1139del.
Identifiers: ClinVar variation 575802 (VCV000575802.11), dbSNP rs1566769081, ClinGen allele CA891844304.